The following is an entry in ClinVar:

NM_000548.5(TSC2):c.2640-15C>T

Gene: TSC2 (TSC complex subunit 2; plus strand). Cytogenetic location: 16p13.3.
Variant type: single nucleotide variant.
Coding change: c.2640-15C>T on transcript NM_000548.5 (MANE Select); 15 bases into the intron before coding-DNA position 2640, C replaced by T.
Molecular consequence: intron variant.
Genome position (GRCh38, 1-based): chr16:2,076,053, C>T. VCF-style: chr16-2076053-C-T. GRCh37 (hg19) VCF-style: chr16-2126054-C-T.
Other names: c.2493-15C>T (NM_001406679.1, NM_001406675.1, NM_001406676.1 and 1 more transcripts); c.2040-15C>T (NM_001406686.1, NM_001406680.1, NM_001406683.1 and 6 more transcripts); c.2673-15C>T (NM_001318832.2); c.1296-15C>T (NM_001406693.1, NM_001406689.1, NM_001406690.1 and 6 more transcripts); c.2730-15C>T (NM_001406667.1, NM_001406668.1); c.1038-15C>T (NM_001406698.1); c.2640-15C>T (NM_001114382.3, NM_001406663.1, NM_001406664.1 and 6 more transcripts); c.2628-15C>T (NM_001406671.1, NM_001406673.1); and 3 more.
Identifiers: ClinVar variation 4071195 (VCV004071195.1).

ClinVar aggregate classification (germline): Likely benign (1 of 4 stars; one submission).

Conditions:
Tuberous sclerosis 2 (TSC2). Identifiers: Orphanet 805, MedGen C1860707, MONDO:0013199, OMIM 613254.

Submission:

Myriad Genetics, Inc.
Classification: Likely benign for Tuberous sclerosis 2. Last evaluated: 2025-05-21. Review status: criteria provided, single submitter. Criteria: Myriad Autosomal Dominant, Autosomal Recessive and X-Linked Classification Criteria (2023). Collection method: clinical testing. Allele origin: unknown.
Comment: This variant is considered likely benign. This variant is intronic and is not expected to impact mRNA splicing.